The following is an entry in ClinVar:

NM_001267550.2(TTN):c.54386G>A (p.Trp18129Ter)

Genes: TTN (titin; minus strand), TTN-AS1 (TTN antisense RNA 1; plus strand). Cytogenetic location: 2q31.2.
Variant type: single nucleotide variant.
Coding change: c.54386G>A on transcript NM_001267550.2 (MANE Select); coding-DNA position 54386, G replaced by A.
Protein change: p.Trp18129Ter; replaces tryptophan 18129 with a stop codon.
Molecular consequence: nonsense.
Genome position (GRCh38, 1-based): chr2:178,604,301, C>T on the plus strand (G>A on the coding strand, the complement: TTN is on the minus strand). VCF-style: chr2-178604301-C-T. GRCh37 (hg19) VCF-style: chr2-179469028-C-T.
Other names: c.49463G>A, p.Trp16488Ter (NM_001256850.1); c.27191G>A, p.Trp9064Ter (NM_003319.4); c.46682G>A, p.Trp15561Ter (NM_133378.4); c.27566G>A, p.Trp9189Ter (NM_133432.3); c.27767G>A, p.Trp9256Ter (NM_133437.4); short protein forms W15561*, W16488*, W18129*, W9064*, W9189*, W9256*.
Identifiers: ClinVar variation 3382748 (VCV003382748.5).

ClinVar aggregate classification (germline): Likely pathogenic. Review status: criteria provided, multiple submitters, no conflicts (2 of 4 stars). 2 submissions from 2 submitters: Likely pathogenic (2). Last evaluated 2024-07-04.

Conditions:
Dilated cardiomyopathy 1G (CMD1G). Identifiers: Orphanet 154, MedGen C1858763, MONDO:0011400, OMIM 604145.
Hypertrophic cardiomyopathy 9. Also called: Familial hypertrophic cardiomyopathy 9. Identifiers: MedGen C1861065, MONDO:0013412, OMIM 613765.
Early-onset myopathy with fatal cardiomyopathy (CMYO5). Also called: Salih Myopathy; CONGENITAL MYOPATHY 5 WITH CARDIOMYOPATHY. Identifiers: Orphanet 289377, MedGen C2673677, MONDO:0012714, OMIM 611705. Disease mechanism: loss of function.
Tibial muscular dystrophy (TMD). Also called: Tibial muscular dystrophy, tardive; Udd Distal Myopathy – Tibial Muscular Dystrophy; UDD MYOPATHY. Identifiers: Orphanet 609, MedGen C1838244, MONDO:0010870, OMIM 600334.
Autosomal recessive limb-girdle muscular dystrophy type 2J (LGMDR10). Also called: MUSCULAR DYSTROPHY, LIMB-GIRDLE, AUTOSOMAL RECESSIVE 10; Limb-girdle muscular dystrophy, type 2J. Identifiers: Orphanet 140922, MedGen C1837342, MONDO:0012127, OMIM 608807.
Myopathy, myofibrillar, 9, with early respiratory failure (MFM9). Also called: EDSTROM MYOPATHY; Myopathy, distal, with early respiratory failure, autosomal dominant; Hereditary myopathy with early respiratory failure; MYOPATHY, PROXIMAL, WITH EARLY RESPIRATORY MUSCLE INVOLVEMENT. Identifiers: Orphanet 178464, Orphanet 34521, MedGen C1863599, MONDO:0011362, OMIM 603689.

gnomAD v4.1: 1 of 1,444,054 alleles (0.000069%); highest among the groups gnomAD compares: Non-Finnish European, 0.000091%; no homozygotes.

Submissions (2):

Labcorp Genetics (formerly Invitae), Labcorp
Classification: Likely pathogenic for Dilated cardiomyopathy 1G; Autosomal recessive limb-girdle muscular dystrophy type 2J. Last evaluated: 2024-07-04. Review status: criteria provided, single submitter. Criteria: Invitae Variant Classification Sherloc (09022015). Collection method: clinical testing. Allele origin: germline.
Comment: This sequence change creates a premature translational stop signal (p.Trp18129*) in the TTN gene. While this is not anticipated to result in nonsense mediated decay, it is expected to create a truncated TTN protein. This variant is not present in population databases (gnomAD no frequency). This variant has not been reported in the literature in individuals affected with TTN-related conditions. This variant is located in the A band of TTN (PMID: 25589632). Truncating variants in this region are significantly overrepresented in patients affected with dilated cardiomyopathy (PMID: 25589632). Truncating variants in this region have also been reported in individuals affected with autosomal recessive centronuclear myopathy (PMID: 23975875). In summary, the currently available evidence indicates that the variant is pathogenic, but additional data are needed to prove that conclusively. Therefore, this variant has been classified as Likely Pathogenic.

Juno Genomics, Hangzhou Juno Genomics, Inc
Classification: Likely pathogenic for Early-onset myopathy with fatal cardiomyopathy; Dilated cardiomyopathy 1G; Hypertrophic cardiomyopathy 9; Autosomal recessive limb-girdle muscular dystrophy type 2J; Myopathy, myofibrillar, 9, with early respiratory failure; Tibial muscular dystrophy. Review status: criteria provided, single submitter. Criteria: ACMG Guidelines, 2015. Collection method: clinical testing. Allele origin: germline.
Comment: Absent from controls (or at extremely low frequency if recessive) in Genome Aggregation Database.;Null variant in a gene where loss of function (LOF) is a known mechanism of disease.

Literature cited by the submitters: PubMed 25589632 (cited by Labcorp Genetics (formerly Invitae), Labcorp); PubMed 23975875 (cited by Labcorp Genetics (formerly Invitae), Labcorp).